The following is an entry in ClinVar:

NM_004698.4(PRPF3):c.1972C>T (p.Arg658Cys)

Gene: PRPF3 (pre-mRNA processing factor 3; plus strand). Cytogenetic location: 1q21.2.
Variant type: single nucleotide variant.
Coding change: c.1972C>T on transcript NM_004698.4 (MANE Select); coding-DNA position 1972, C replaced by T.
Protein change: p.Arg658Cys; replaces arginine 658 with cysteine.
Molecular consequence: missense variant. On other transcripts: non-coding transcript variant (4).
Genome position (GRCh38, 1-based): chr1:150,352,899, C>T. VCF-style: chr1-150352899-C-T. GRCh37 (hg19) VCF-style: chr1-150325375-C-T.
Other names: c.1567C>T, p.Arg523Cys (NM_001350529.1); short protein forms R523C, R658C.
Identifiers: ClinVar variation 4761599 (VCV004761599.1).

ClinVar aggregate classification (germline): Uncertain significance (1 of 4 stars; one submission).

gnomAD v4.1: 2 of 1,614,130 alleles (0.00012%); highest among the groups gnomAD compares: Non-Finnish European, 0.00017%; no homozygotes.

Submission:

Labcorp Genetics (formerly Invitae), Labcorp
Classification: Uncertain significance. Last evaluated: 2026-01-13. Review status: criteria provided, single submitter. Criteria: Invitae Variant Classification Sherloc (09022015). Collection method: clinical testing. Allele origin: germline.
Comment: This sequence change replaces arginine, which is basic and polar, with cysteine, which is neutral and slightly polar, at codon 658 of the PRPF3 protein (p.Arg658Cys). This variant is not present in population databases (gnomAD no frequency). This variant has not been reported in the literature in individuals affected with PRPF3-related conditions. Invitae Evidence Modeling of protein sequence and biophysical properties (such as structural, functional, and spatial information, amino acid conservation, physicochemical variation, residue mobility, and thermodynamic stability) indicates that this missense variant is expected to disrupt PRPF3 protein function with a positive predictive value of 95%. In summary, the available evidence is currently insufficient to determine the role of this variant in disease. Therefore, it has been classified as a Variant of Uncertain Significance.